The following is an entry in ClinVar:

ClinVar aggregate classification (germline): Uncertain significance (1 of 4 stars; one submission).

Submission:

Ambry Genetics
Classification: Uncertain significance. Last evaluated: 2024-12-20. Review status: criteria provided, single submitter. Criteria: Ambry Variant Classification Scheme 2023. Collection method: clinical testing. Allele origin: germline.
Comment: The p.L378P variant (also known as c.1133T>C), located in coding exon 10 of the GEN1 gene, results from a T to C substitution at nucleotide position 1133. The leucine at codon 378 is replaced by proline, an amino acid with similar properties. This amino acid position is conserved. In addition, this alteration is predicted to be deleterious by in silico analysis. Based on the available evidence, the clinical significance of this variant remains unclear.

NM_001130009.3(GEN1):c.1133T>C (p.Leu378Pro)

Gene: GEN1 (GEN1 Holliday junction 5' flap endonuclease; plus strand). Cytogenetic location: 2p24.2.
Variant type: single nucleotide variant.
Coding change: c.1133T>C on transcript NM_001130009.3 (MANE Select); coding-DNA position 1133, T replaced by C.
Protein change: p.Leu378Pro; replaces leucine 378 with proline.
Molecular consequence: missense variant.
Genome position (GRCh38, 1-based): chr2:17,774,332, T>C. VCF-style: chr2-17774332-T-C. GRCh37 (hg19) VCF-style: chr2-17955599-T-C.
Other names: c.1133T>C, p.Leu378Pro (NM_182625.5); short protein forms L378P.
Identifiers: ClinVar variation 3853439 (VCV003853439.1).